The following is an entry in ClinVar:

NM_004281.4(BAG3):c.164C>T (p.Pro55Leu)

Gene: BAG3 (BAG cochaperone 3; plus strand). Cytogenetic location: 10q26.11.
Variant type: single nucleotide variant.
Coding change: c.164C>T on transcript NM_004281.4 (MANE Select); coding-DNA position 164, C replaced by T.
Protein change: p.Pro55Leu; replaces proline 55 with leucine.
Molecular consequence: missense variant.
Genome position (GRCh38, 1-based): chr10:119,651,839, C>T. VCF-style: chr10-119651839-C-T. GRCh37 (hg19) VCF-style: chr10-121411351-C-T.
Other names: short protein forms P55L.
Identifiers: ClinVar variation 1411710 (VCV001411710.7), dbSNP rs1277623691, ClinGen allele CA378294316.

ClinVar aggregate classification (germline): Uncertain significance. Review status: criteria provided, multiple submitters, no conflicts (2 of 4 stars). 2 submissions from 2 submitters: Uncertain significance (2). Last evaluated 2025-06-11.

Conditions:
Dilated cardiomyopathy 1HH (CMD1HH). Identifiers: Orphanet 154, MedGen C3151293, MONDO:0013479, OMIM 613881.
Myofibrillar myopathy 6. Identifiers: Orphanet 199340, MedGen C2751831, MONDO:0013061, OMIM 612954.

Allele frequency attached by ClinVar (database versions not stated): gnomAD exomes below 0.00001; TOPMed below 0.00001; gnomAD 0.00001.
gnomAD v4.1: 5 of 1,584,168 alleles (0.00032%); highest among the groups gnomAD compares: Non-Finnish European, 0.00043%; no homozygotes.

Submissions (2):

Labcorp Genetics (formerly Invitae), Labcorp
Classification: Uncertain significance for Dilated cardiomyopathy 1HH; Myofibrillar myopathy 6. Last evaluated: 2025-06-11. Review status: criteria provided, single submitter. Criteria: Invitae Variant Classification Sherloc (09022015). Collection method: clinical testing. Allele origin: germline.
Comment: This sequence change replaces proline, which is neutral and non-polar, with leucine, which is neutral and non-polar, at codon 55 of the BAG3 protein (p.Pro55Leu). This variant is present in population databases (no rsID available, gnomAD 0.007%). This variant has not been reported in the literature in individuals affected with BAG3-related conditions. ClinVar contains an entry for this variant (Variation ID: 1411710). An algorithm developed to predict the effect of missense changes on protein structure and function (PolyPhen-2) suggests that this variant is likely to be tolerated. In summary, the available evidence is currently insufficient to determine the role of this variant in disease. Therefore, it has been classified as a Variant of Uncertain Significance.

GeneDx
Classification: Uncertain significance. Last evaluated: 2022-04-18. Review status: criteria provided, single submitter. Criteria: GeneDx Variant Classification Process June 2021. Collection method: clinical testing. Allele origin: germline. Affected: yes.
Comment: Not observed at significant frequency in large population cohorts (gnomAD); In silico analysis supports that this missense variant does not alter protein structure/function; Has not been previously published as pathogenic or benign to our knowledge